The following is an entry in ClinVar:

ClinVar aggregate classification (germline): Uncertain significance (1 of 4 stars; one submission).

Submission:

Labcorp Genetics (formerly Invitae), Labcorp
Classification: Uncertain significance. Last evaluated: 2023-07-26. Review status: criteria provided, single submitter. Criteria: Invitae Variant Classification Sherloc (09022015). Collection method: clinical testing. Allele origin: germline.
Comment: This sequence change replaces glutamic acid, which is acidic and polar, with glycine, which is neutral and non-polar, at codon 79 of the NFE2L2 protein (p.Glu79Gly). This variant is not present in population databases (gnomAD no frequency). This variant has not been reported in the literature in individuals affected with NFE2L2-related conditions. Advanced modeling of protein sequence and biophysical properties (such as structural, functional, and spatial information, amino acid conservation, physicochemical variation, residue mobility, and thermodynamic stability) performed at Invitae indicates that this missense variant is expected to disrupt NFE2L2 protein function. Algorithms developed to predict the effect of sequence changes on RNA splicing suggest that this variant may disrupt the consensus splice site. In summary, the available evidence is currently insufficient to determine the role of this variant in disease. Therefore, it has been classified as a Variant of Uncertain Significance.

NM_006164.5(NFE2L2):c.236A>G (p.Glu79Gly)

Gene: NFE2L2 (NFE2 like bZIP transcription factor 2; minus strand). Cytogenetic location: 2q31.2.
Variant type: single nucleotide variant.
Coding change: c.236A>G on transcript NM_006164.5 (MANE Select); coding-DNA position 236, A replaced by G.
Protein change: p.Glu79Gly; replaces glutamic acid 79 with glycine.
Molecular consequence: missense variant. On other transcripts: intron variant (1).
Genome position (GRCh38, 1-based): chr2:177,234,081, T>C on the plus strand (A>G on the coding strand, the complement: NFE2L2 is on the minus strand). VCF-style: chr2-177234081-T-C. GRCh37 (hg19) VCF-style: chr2-178098809-T-C.
Other names: c.7A>G, p.Arg3Gly (NM_001313904.1); c.93+143A>G (NM_001313903.2); c.188A>G, p.Glu63Gly (NM_001145412.3, NM_001145413.3, NM_001313900.1 and 1 more transcripts); c.236A>G, p.Glu79Gly (NM_001313902.2); short protein forms R3G, E63G, E79G.
Identifiers: ClinVar variation 2841914 (VCV002841914.3), dbSNP rs1057519923, ClinGen allele CA349380477.